The following is an entry in ClinVar:

NM_002098.6(GUCA1B):c.230A>C (p.Glu77Ala)

Gene: GUCA1B (guanylate cyclase activator 1B; minus strand). Cytogenetic location: 6p21.1.
Variant type: single nucleotide variant.
Coding change: c.230A>C on transcript NM_002098.6 (MANE Select); coding-DNA position 230, A replaced by C.
Protein change: p.Glu77Ala; replaces glutamic acid 77 with alanine.
Molecular consequence: missense variant.
Genome position (GRCh38, 1-based): chr6:42,188,709, T>G on the plus strand (A>C on the coding strand, the complement: GUCA1B is on the minus strand). VCF-style: chr6-42188709-T-G. GRCh37 (hg19) VCF-style: chr6-42156447-T-G.
Other names: short protein forms E77A.
Identifiers: ClinVar variation 2963754 (VCV002963754.3), dbSNP rs1478221143, ClinGen allele CA364113148.

ClinVar aggregate classification (germline): Uncertain significance (1 of 4 stars; one submission).

Submission:

Labcorp Genetics (formerly Invitae), Labcorp
Classification: Uncertain significance. Last evaluated: 2022-11-16. Review status: criteria provided, single submitter. Criteria: Invitae Variant Classification Sherloc (09022015). Collection method: clinical testing. Allele origin: germline.
Comment: In summary, the available evidence is currently insufficient to determine the role of this variant in disease. Therefore, it has been classified as a Variant of Uncertain Significance. Algorithms developed to predict the effect of missense changes on protein structure and function (SIFT, PolyPhen-2, Align-GVGD) all suggest that this variant is likely to be disruptive. This variant has not been reported in the literature in individuals affected with GUCA1B-related conditions. This variant is not present in population databases (gnomAD no frequency). This sequence change replaces glutamic acid, which is acidic and polar, with alanine, which is neutral and non-polar, at codon 77 of the GUCA1B protein (p.Glu77Ala).